The following is an entry in ClinVar:

NM_053025.4(MYLK):c.4300G>A (p.Glu1434Lys)

Gene: MYLK (myosin light chain kinase; minus strand). Cytogenetic location: 3q21.1.
Variant type: single nucleotide variant.
Coding change: c.4300G>A on transcript NM_053025.4 (MANE Select); coding-DNA position 4300, G replaced by A.
Protein change: p.Glu1434Lys; replaces glutamic acid 1434 with lysine.
Molecular consequence: missense variant.
Genome position (GRCh38, 1-based): chr3:123,649,183, C>T on the plus strand (G>A on the coding strand, the complement: MYLK is on the minus strand). VCF-style: chr3-123649183-C-T. GRCh37 (hg19) VCF-style: chr3-123368030-C-T.
Other names: c.3772G>A, p.Glu1258Lys (NM_001321309.2); c.4093G>A, p.Glu1365Lys (NM_053026.4, NM_053028.4); c.4300G>A, p.Glu1434Lys (NM_053027.4); short protein forms E1258K, E1365K, E1434K.
Identifiers: ClinVar variation 3228918 (VCV003228918.1), dbSNP rs1389036916, ClinGen allele CA354227685.

ClinVar aggregate classification (germline): Uncertain significance (1 of 4 stars; one submission).

Conditions:
Familial thoracic aortic aneurysm and aortic dissection (TAAD). Also called: Thoracic aortic aneurysms and dissections. Identifiers: Orphanet 91387, MedGen C4707243, MONDO:0019625.

Submission:

Ambry Genetics
Classification: Uncertain significance for Familial thoracic aortic aneurysm and aortic dissection. Last evaluated: 2023-12-10. Review status: criteria provided, single submitter. Criteria: Ambry Variant Classification Scheme 2023. Collection method: clinical testing. Allele origin: germline.
Comment: The p.E1434K variant (also known as c.4300G>A), located in coding exon 22 of the MYLK gene, results from a G to A substitution at nucleotide position 4300. The glutamic acid at codon 1434 is replaced by lysine, an amino acid with similar properties. This amino acid position is conserved. In addition, this alteration is predicted to be tolerated by in silico analysis. Since supporting evidence is limited at this time, the clinical significance of this alteration remains unclear.